The following continues an entry in ClinVar:

NM_000322.5(PRPH2):c.828+3A>T

Gene: PRPH2. ClinVar aggregate classification (germline): Pathogenic. Pathogenic (13).

Submissions 13 to 16 of 16:

Eurofins Ntd Llc (ga)
Classification: Pathogenic. Last evaluated: 2015-03-26. Review status: criteria provided, single submitter. Criteria: EGL Classification Definitions 2015. Collection method: clinical testing. Allele origin: germline. Observed: 2 variant alleles, 2 heterozygotes.

Leiden Open Variation Database
Classification: Likely pathogenic. Last evaluated: 2021-05-27. Review status: no assertion criteria provided. Collection method: curation. Allele origin: germline. Affected: yes. Not counted in ClinVar's aggregate classification.
Comment: Curator: Global Variome, with Curator vacancy. Submitters to LOVD: Julia Lopez, LOVD, Manon Peeters.

Genomics England Pilot Project, Genomics England
Classification: Likely pathogenic for Patterned macular dystrophy 1. Review status: no assertion criteria provided. Criteria: ACGS Guidelines, 2016. Collection method: clinical testing. Allele origin: germline. Affected: yes. Not counted in ClinVar's aggregate classification.

Retina International
No classification provided. Review status: no classification provided. Collection method: not provided. Allele origin: unknown. Not counted in ClinVar's aggregate classification.

Literature cited by the submitters: PubMed 11139241 (cited by Labcorp Genetics (formerly Invitae), Labcorp); PubMed 25675413 (cited by 3 submitters); PubMed 26842753 (cited by Labcorp Genetics (formerly Invitae), Labcorp and Leiden Open Variation Database); PubMed 17576681 (cited by Labcorp Genetics (formerly Invitae), Labcorp); PubMed 9536098 (cited by Labcorp Genetics (formerly Invitae), Labcorp); PubMed 32531846 (cited by Women's Health and Genetics/Laboratory Corporation of America, LabCorp and Leiden Open Variation Database); PubMed 16799052 (cited by Women's Health and Genetics/Laboratory Corporation of America, LabCorp and Leiden Open Variation Database); PubMed 11704030 (cited by Leiden Open Variation Database); PubMed 16113362 (cited by Leiden Open Variation Database); PubMed 23950152 (cited by Leiden Open Variation Database); PubMed 25082885 (cited by Leiden Open Variation Database); PubMed 28559085 (cited by Leiden Open Variation Database).